The following is an entry in ClinVar:

NM_001129820.2(SLFN14):c.496A>T (p.Lys166Ter)

Gene: SLFN14 (schlafen family member 14; minus strand). Cytogenetic location: 17q12.
Variant type: single nucleotide variant.
Coding change: c.496A>T on transcript NM_001129820.2 (MANE Select); coding-DNA position 496, A replaced by T.
Protein change: p.Lys166Ter; replaces lysine 166 with a stop codon.
Molecular consequence: nonsense.
Genome position (GRCh38, 1-based): chr17:35,557,567, T>A on the plus strand (A>T on the coding strand, the complement: SLFN14 is on the minus strand). VCF-style: chr17-35557567-T-A. GRCh37 (hg19) VCF-style: chr17-33884586-T-A.
Other names: short protein forms K166*.
Identifiers: ClinVar variation 2631433 (VCV002631433.1), dbSNP rs768191104, ClinGen allele CA399132923.

ClinVar aggregate classification (germline): Uncertain significance (1 of 4 stars; one submission).

Conditions:
SLFN14-related disorder. Also called: SLFN14-related condition.

Allele frequency attached by ClinVar (database versions not stated): gnomAD 0.00001.
gnomAD v4.1: 2 of 1,551,546 alleles (0.00013%); highest among the groups gnomAD compares: Non-Finnish European, 0.00017%; no homozygotes.

Submission:

PreventionGenetics, part of Exact Sciences
Classification: Uncertain significance for SLFN14-related condition. Last evaluated: 2023-08-16. Review status: criteria provided, single submitter. Criteria: ACMG Guidelines, 2015. Collection method: clinical testing. Allele origin: germline.
Comment: The SLFN14 c.496A>T variant is predicted to result in premature protein termination (p.Lys166*). To our knowledge, this variant has not been reported in the literature or in a large population database, indicating this variant is rare. At this time, the clinical significance of this variant is uncertain due to the absence of conclusive functional and genetic evidence.